The following is an entry in ClinVar:

NM_004990.4(MARS1):c.331G>C (p.Glu111Gln)

Gene: MARS1 (methionyl-tRNA synthetase 1; plus strand). Cytogenetic location: 12q13.3.
Variant type: single nucleotide variant.
Coding change: c.331G>C on transcript NM_004990.4 (MANE Select); coding-DNA position 331, G replaced by C.
Protein change: p.Glu111Gln; replaces glutamic acid 111 with glutamine.
Molecular consequence: missense variant.
Genome position (GRCh38, 1-based): chr12:57,489,475, G>C. VCF-style: chr12-57489475-G-C. GRCh37 (hg19) VCF-style: chr12-57883258-G-C.
Other names: short protein forms E111Q.
Identifiers: ClinVar variation 917043 (VCV000917043.11), dbSNP rs376785642, ClinGen allele CA6650138.

ClinVar aggregate classification (germline): Uncertain significance. Review status: criteria provided, multiple submitters, no conflicts (2 of 4 stars). 3 submissions from 3 submitters: Uncertain significance (3). Last evaluated 2025-09-29.

Conditions:
Severe early-onset pulmonary alveolar proteinosis due to MARS deficiency. Also called: PULMONARY ALVEOLAR PROTEINOSIS, REUNION ISLAND; Interstitial lung and liver disease. Identifiers: Orphanet 440427, MedGen C4225400, MONDO:0014206, OMIM 615486.
Charcot-Marie-Tooth disease axonal type 2U. Also called: CHARCOT-MARIE-TOOTH DISEASE, AXONAL, AUTOSOMAL DOMINANT, TYPE 2U; CHARCOT-MARIE-TOOTH NEUROPATHY, TYPE 2U. Identifiers: Orphanet 397735, MedGen C4084821, MONDO:0014566, OMIM 616280.
Charcot-Marie-Tooth disease. Also called: Charcot-Marie-Tooth Hereditary Neuropathy; Charcot-Marie-Tooth Neuropathy. Identifiers: Orphanet 166, MedGen C0007959, MONDO:0015626.

Allele frequency attached by ClinVar (database versions not stated): gnomAD exomes below 0.00001 and 0.00004; ExAC 0.00002; gnomAD 0.00002 and 0.00003; TOPMed 0.00003; ESP Exome Variant Server 0.00008.
gnomAD v4.1: 55 of 1,614,080 alleles (0.0034%); highest among the groups gnomAD compares: Non-Finnish European, 0.0045%; no homozygotes.

Submissions (3):

Labcorp Genetics (formerly Invitae), Labcorp
Classification: Uncertain significance for Charcot-Marie-Tooth disease axonal type 2U; Severe early-onset pulmonary alveolar proteinosis due to MARS deficiency. Last evaluated: 2025-09-29. Review status: criteria provided, single submitter. Criteria: Invitae Variant Classification Sherloc (09022015). Collection method: clinical testing. Allele origin: germline.
Comment: This sequence change replaces glutamic acid, which is acidic and polar, with glutamine, which is neutral and polar, at codon 111 of the MARS protein (p.Glu111Gln). This variant is present in population databases (rs376785642, gnomAD 0.002%). This variant has not been reported in the literature in individuals affected with MARS-related conditions. ClinVar contains an entry for this variant (Variation ID: 917043). An algorithm developed to predict the effect of missense changes on protein structure and function (PolyPhen-2) suggests that this variant is likely to be tolerated. In summary, the available evidence is currently insufficient to determine the role of this variant in disease. Therefore, it has been classified as a Variant of Uncertain Significance.

Ambry Genetics
Classification: Uncertain significance. Last evaluated: 2023-12-12. Review status: criteria provided, single submitter. Criteria: Ambry Variant Classification Scheme 2023. Collection method: clinical testing. Allele origin: germline.

Molecular Genetics Laboratory, London Health Sciences Centre
Classification: Uncertain significance for Charcot-Marie-Tooth disease. Review status: criteria provided, single submitter. Criteria: ACMG Guidelines, 2015. Collection method: clinical testing. Allele origin: germline. Affected: yes.